The following is an entry in ClinVar:

ClinVar aggregate classification (germline): Likely benign (1 of 4 stars; one submission).

Allele frequency attached by ClinVar (database versions not stated): gnomAD exomes 0.00003 and 0.00004; ExAC 0.00005; ESP Exome Variant Server 0.00009; TOPMed 0.00019; 1000 Genomes Project 30x 0.00021; 1000 Genomes Project 0.00026; gnomAD 0.00036.
gnomAD v4.1: 58 of 1,195,587 alleles (0.0049%); highest among the groups gnomAD compares: African/African-American, 0.072%; no homozygotes.

Submission:

GeneDx
Classification: Likely benign. Last evaluated: 2018-03-30. Review status: criteria provided, single submitter. Criteria: GeneDx Variant Classification (06012015). Collection method: clinical testing. Allele origin: germline. Affected: yes.
Comment: This variant is considered likely benign or benign based on one or more of the following criteria: it is a conservative change, it occurs at a poorly conserved position in the protein, it is predicted to be benign by multiple in silico algorithms, and/or has population frequency not consistent with disease.

NM_001079855.2(GYG2):c.487+17C>T

Gene: GYG2 (glycogenin 2; plus strand). Cytogenetic location: Xp22.33.
Variant type: single nucleotide variant.
Coding change: c.487+17C>T on transcript NM_001079855.2 (MANE Select); 17 bases into the intron after coding-DNA position 487, C replaced by T.
Molecular consequence: intron variant.
Genome position (GRCh38, 1-based): chrX:2,855,172, C>T. VCF-style: chrX-2855172-C-T. GRCh37 (hg19) VCF-style: chrX-2773213-C-T.
Other names: c.580+17C>T (NM_003918.3, NM_001184703.2); c.487+17C>T (NM_001184702.2); c.22+17C>T (NM_001184704.2).
Identifiers: ClinVar variation 680435 (VCV000680435.1), dbSNP rs375629115, ClinGen allele CA10337091.